The following is an entry in ClinVar:

ClinVar aggregate classification (germline): Benign (1 of 4 stars; one submission).

Submission:

CeGaT Center for Human Genetics Tuebingen
Classification: Benign. Last evaluated: 2026-07-01. Review status: criteria provided, single submitter. Criteria: CeGaT Center For Human Genetics Tuebingen Variant Classification Criteria Version 2. Collection method: clinical testing. Allele origin: germline. Affected: yes. Observed: 5 variant alleles.
Comment: SHANK3: BS1, BS2

NM_001372044.2(SHANK3):c.16GCC[9] (p.Ala13_Pro14insAla)

Gene: SHANK3 (SH3 and multiple ankyrin repeat domains 3; plus strand). Cytogenetic location: 22q13.33.
Variant type: Microsatellite.
Coding change: c.16GCC[9] on transcript NM_001372044.2 (MANE Select); nine copies in a row of the 3-base unit GCC starting at c.16; the reference has eight copies in a row; one copy, 3 bases duplicated.
Protein change: p.Ala13_Pro14insAla.
Molecular consequence: inframe insertion.
Genome position (GRCh38, 1-based): chr22:50,674,451-50,674,453, GCC duplicated; duplicating any 3 consecutive bases within chr22:50,674,429-50,674,453 gives the same sequence; the position shown is the placement nearest the transcript's 3' end. VCF-style (leftmost placement, unchanged base first): chr22-50674428-G-GCGC. GRCh37 (hg19) VCF-style: chr22-51112856-G-GCGC.
Identifiers: ClinVar variation 3026192 (VCV003026192.22), dbSNP rs975668627, ClinGen allele CA640058726.